The following is an entry in ClinVar:

NM_004750.5(CRLF1):c.741_748dup (p.Glu250fs)

Genes: CRLF1 (cytokine receptor like factor 1; minus strand), LOC112543470 (Sharpr-MPRA regulatory region 11645; plus strand). Cytogenetic location: 19p13.11.
Variant type: Duplication.
Coding change: c.741_748dup on transcript NM_004750.5 (MANE Select); coding-DNA positions 741 to 748, 8 bases duplicated (GGGCCTGG; older notation c.741_748dupGGGCCTGG).
Protein change: p.Glu250fs; shifts the reading frame from glutamic acid 250.
Molecular consequence: frameshift variant.
Genome position (GRCh38, 1-based): chr19:18,596,999-18,597,006, CCAGGCCC duplicated on the plus strand (GGGCCTGG on the coding strand, the reverse complement: CRLF1 is on the minus strand); duplicating any 8 consecutive bases within chr19:18,596,999-18,597,008 gives the same sequence; the c. name uses the placement nearest the transcript's 3' end. VCF-style (leftmost placement, unchanged base first): chr19-18596998-T-TCCAGGCCC. GRCh37 (hg19) VCF-style: chr19-18707808-T-TCCAGGCCC.
Other names: short protein forms E250fs.
Identifiers: ClinVar variation 4736066 (VCV004736066.1).
Genomic context (GRCh38, chr19:18,596,998, plus strand): 5'-GCTTGAAAGAGGAAATCCTTGAGGGCGGGTGGCGACACCCAGCGCACGCTCAGCTGGTCC[T>TCCAGGCCC]CCAGGCCCCCGACGCGGCTCACGTGCACGTCGGGCGGGGGGTCCGTGGTCACTGCGGGGC-3'

ClinVar aggregate classification (germline): Pathogenic (1 of 4 stars; one submission).

Submission:

Labcorp Genetics (formerly Invitae), Labcorp
Classification: Pathogenic. Last evaluated: 2026-01-24. Review status: criteria provided, single submitter. Criteria: Invitae Variant Classification Sherloc (09022015). Collection method: clinical testing. Allele origin: germline.
Comment: This sequence change creates a premature translational stop signal (p.Glu250Glyfs*7) in the CRLF1 gene. It is expected to result in an absent or disrupted protein product. Loss-of-function variants in CRLF1 are known to be pathogenic (PMID: 17436252, 19012339). This variant is not present in population databases (gnomAD no frequency). This variant has not been reported in the literature in individuals affected with CRLF1-related conditions. For these reasons, this variant has been classified as Pathogenic.

Literature cited by the submitters: PubMed 17436252; PubMed 19012339.